The following is an entry in ClinVar:

NM_001378454.1(ALMS1):c.3591A>G (p.Lys1197=)

Gene: ALMS1 (ALMS1 centrosome and basal body associated protein; plus strand). Cytogenetic location: 2p13.1.
Variant type: single nucleotide variant.
Coding change: c.3591A>G on transcript NM_001378454.1 (MANE Select); coding-DNA position 3591, A replaced by G.
Protein change: p.Lys1197=; no amino-acid change (lysine 1197 retained).
Molecular consequence: synonymous variant.
Genome position (GRCh38, 1-based): chr2:73,450,118, A>G. VCF-style: chr2-73450118-A-G. GRCh37 (hg19) VCF-style: chr2-73677245-A-G.
Other names: c.3594A>G, p.Lys1198= (NM_015120.4).
Identifiers: ClinVar variation 518046 (VCV000518046.10), dbSNP rs773852068, ClinGen allele CA1713552.
Genomic context (GRCh38, chr2:73,450,118, plus strand): 5'-AGGTAACCAGAAGACTTGGATACCAAGAGTACTTTCTACCTTCTACTCACAAAGAGAGAA[A>G]CCTGGTATTTTCTATCAACAGACCTTGCCAGGTAGTCACATACCTGAAGAGGCACAGAAA-3'
Protein context (NP_001365383.1, residues 1187-1207): VLSTFYSQRE[Lys1197=]PGIFYQQTLP

ClinVar aggregate classification (germline): Likely benign. Review status: criteria provided, multiple submitters, no conflicts (2 of 4 stars). 4 submissions from 4 submitters: Likely benign (4). Last evaluated 2026-05-28.

Conditions:
Cardiovascular phenotype. Identifiers: MedGen CN230736.
Alstrom syndrome (ALMS). Identifiers: Orphanet 64, MedGen C0268425, MONDO:0008763, OMIM 203800.

Allele frequency attached by ClinVar (database versions not stated): gnomAD exomes below 0.00001; ExAC 0.00001; gnomAD 0.00002.

Submissions (4):

Ambry Genetics
Classification: Likely benign for Cardiovascular phenotype. Last evaluated: 2026-05-28. Review status: criteria provided, single submitter. Criteria: Ambry Variant Classification Scheme 2023. Collection method: clinical testing. Allele origin: germline.

Labcorp Genetics (formerly Invitae), Labcorp
Classification: Likely benign for Alstrom syndrome. Last evaluated: 2025-12-31. Review status: criteria provided, single submitter. Criteria: Invitae Variant Classification Sherloc (09022015). Collection method: clinical testing. Allele origin: germline.

Fulgent Genetics
Classification: Likely benign for Alstrom syndrome. Last evaluated: 2022-04-17. Review status: criteria provided, single submitter. Criteria: ACMG Guidelines, 2015. Collection method: clinical testing. Allele origin: unknown.

GeneDx
Classification: Likely benign. Last evaluated: 2017-06-19. Review status: criteria provided, single submitter. Criteria: GeneDx Variant Classification (06012015). Collection method: clinical testing. Allele origin: germline. Affected: yes.
Comment: This variant is considered likely benign or benign based on one or more of the following criteria: it is a conservative change, it occurs at a poorly conserved position in the protein, it is predicted to be benign by multiple in silico algorithms, and/or has population frequency not consistent with disease.